The following is an entry in ClinVar:

ClinVar aggregate classification (germline): Uncertain significance. Review status: criteria provided, multiple submitters, no conflicts (2 of 4 stars). 2 submissions from 2 submitters: Uncertain significance (2). Last evaluated 2023-04-06.

Conditions:
Peutz-Jeghers syndrome (PJS). Also called: POLYPOSIS, HAMARTOMATOUS INTESTINAL; POLYPS-AND-SPOTS SYNDROME; Peutz-Jeghers polyposis; Periorificial lentiginosis syndrome. Identifiers: Orphanet 2869, MedGen C0031269, MeSH D010580, MONDO:0008280, OMIM 175200.
Hereditary cancer-predisposing syndrome. Also called: Tumor predisposition; Neoplastic Syndromes, Hereditary; Hereditary Cancer Syndrome; Hereditary neoplastic syndrome. Identifiers: Orphanet 140162, MedGen C0027672, MeSH D009386, MONDO:0015356.

Submissions (2):

Labcorp Genetics (formerly Invitae), Labcorp
Classification: Uncertain significance for Peutz-Jeghers syndrome. Last evaluated: 2023-04-06. Review status: criteria provided, single submitter. Criteria: Invitae Variant Classification Sherloc (09022015). Collection method: clinical testing. Allele origin: germline.
Comment: In summary, the available evidence is currently insufficient to determine the role of this variant in disease. Therefore, it has been classified as a Variant of Uncertain Significance. This sequence change replaces histidine, which is basic and polar, with arginine, which is basic and polar, at codon 345 of the STK11 protein (p.His345Arg). This variant is not present in population databases (gnomAD no frequency). This variant has not been reported in the literature in individuals affected with STK11-related conditions. ClinVar contains an entry for this variant (Variation ID: 1772040). Advanced modeling of protein sequence and biophysical properties (such as structural, functional, and spatial information, amino acid conservation, physicochemical variation, residue mobility, and thermodynamic stability) performed at Invitae indicates that this missense variant is expected to disrupt STK11 protein function.

Ambry Genetics
Classification: Uncertain significance for Hereditary cancer-predisposing syndrome. Last evaluated: 2015-11-06. Review status: criteria provided, single submitter. Criteria: Ambry Variant Classification Scheme 2023. Collection method: clinical testing. Allele origin: germline.
Comment: The p.H345R variant (also known as c.1034A>G), located in coding exon 8 of the STK11 gene, results from an A to G substitution at nucleotide position 1034. The histidine at codon 345 is replaced by arginine, an amino acid with highly similar properties. This variant was not reported in population based cohorts in the following databases: Database of Single Nucleotide Polymorphisms (dbSNP), NHLBI Exome Sequencing Project (ESP), and 1000 Genomes Project. In the ESP, this variant was not observed in 6405 samples (12810 alleles) with coverage at this position. To date, this alteration has been detected with an allele frequency of approximately 0.001% (greater than 125000 alleles tested) in our clinical cohort. This amino acid position is highly conserved in available vertebrate species. In addition, the in silico prediction for this alteration is inconclusive. Since supporting evidence is limited at this time, the clinical significance of p.H345R remains unclear.

NM_000455.5(STK11):c.1034A>G (p.His345Arg)

Genes: STK11 (serine/threonine kinase 11; plus strand), LOC130062899 (ATAC-STARR-seq lymphoblastoid active region 13597; plus strand). Cytogenetic location: 19p13.3.
Variant type: single nucleotide variant.
Coding change: c.1034A>G on transcript NM_000455.5 (MANE Select); coding-DNA position 1034, A replaced by G.
Protein change: p.His345Arg; replaces histidine 345 with arginine.
Molecular consequence: missense variant.
Genome position (GRCh38, 1-based): chr19:1,223,098, A>G. VCF-style: chr19-1223098-A-G. GRCh37 (hg19) VCF-style: chr19-1223097-A-G.
Other names: c.1034A>G, p.His345Arg (NM_001407255.1); short protein forms H345R.
Identifiers: ClinVar variation 1772040 (VCV001772040.5), dbSNP rs2145431132, ClinGen allele CA402951777.